The following is an entry in ClinVar:

ClinVar aggregate classification (germline): Uncertain significance (1 of 4 stars; one submission).

Allele frequency attached by ClinVar (database versions not stated): gnomAD 0.00001; gnomAD exomes 0.00001; TOPMed 0.00001; ExAC 0.00002.

Submission:

GeneDx
Classification: Uncertain significance. Last evaluated: 2021-10-01. Review status: criteria provided, single submitter. Criteria: GeneDx Variant Classification Process June 2021. Collection method: clinical testing. Allele origin: germline. Affected: yes.
Comment: In silico analysis supports that this missense variant has a deleterious effect on protein structure/function; Has not been previously published as pathogenic or benign to our knowledge

NM_181332.3(NLGN4X):c.1211A>C (p.Asp404Ala)

Gene: NLGN4X (neuroligin 4 X-linked; minus strand). Cytogenetic location: Xp22.32.
Variant type: single nucleotide variant.
Coding change: c.1211A>C on transcript NM_181332.3 (MANE Select); coding-DNA position 1211, A replaced by C.
Protein change: p.Asp404Ala; replaces aspartic acid 404 with alanine.
Molecular consequence: missense variant.
Genome position (GRCh38, 1-based): chrX:5,903,467, T>G on the plus strand (A>C on the coding strand, the complement: NLGN4X is on the minus strand). VCF-style: chrX-5903467-T-G. GRCh37 (hg19) VCF-style: chrX-5821508-T-G.
Other names: c.1211A>C, p.Asp404Ala (NM_001282145.2, NM_001282146.2, NM_020742.4); short protein forms D404A.
Identifiers: ClinVar variation 1675283 (VCV001675283.2), dbSNP rs778523324, ClinGen allele CA10341054.